The following is an entry in ClinVar:

NM_003995.4(NPR2):c.2344A>G (p.Ile782Val)

Gene: NPR2 (natriuretic peptide receptor 2; plus strand). Cytogenetic location: 9p13.3.
Variant type: single nucleotide variant.
Coding change: c.2344A>G on transcript NM_003995.4 (MANE Select); coding-DNA position 2344, A replaced by G.
Protein change: p.Ile782Val; replaces isoleucine 782 with valine.
Molecular consequence: missense variant.
Genome position (GRCh38, 1-based): chr9:35,806,205, A>G. VCF-style: chr9-35806205-A-G. GRCh37 (hg19) VCF-style: chr9-35806202-A-G.
Other names: c.2353A>G, p.Ile785Val (NM_001378923.1); short protein forms I782V, I785V.
Identifiers: ClinVar variation 2102689 (VCV002102689.4), dbSNP rs544587520, ClinGen allele CA5051943.
Genomic context (GRCh38, chr9:35,806,205, plus strand): 5'-GTTTTGCTGATGGAGCGATGTTGGGCTCAGGACCCAGCTGAGCGGCCAGACTTTGGACAG[A>G]TTAAGGGCTTCATTCGGCGCTTTAACAAGTGAGAGGGCATTATGGGGCAGGGGCTTCCCA-3'
Protein context (NP_003986.2, residues 772-792): DPAERPDFGQ[Ile782Val]KGFIRRFNKE

ClinVar aggregate classification (germline): Uncertain significance (1 of 4 stars; one submission).

Conditions:
Acromesomelic dysplasia 1, Maroteaux type (AMD1). Also called: ST. HELENA DYSPLASIA; ACROMESOMELIC DYSPLASIA 1. Identifiers: Orphanet 40, MedGen C1864356, MONDO:0011275, OMIM 602875.
Tall stature-scoliosis-macrodactyly of the great toes syndrome. Also called: Epiphyseal chondrodysplasia, miura type. Identifiers: Orphanet 329191, MedGen C4014690, MONDO:0014401, OMIM 615923.

Allele frequency attached by ClinVar (database versions not stated): gnomAD exomes below 0.00001; TOPMed below 0.00001; ExAC 0.00001; gnomAD 0.00001; 1000 Genomes Project 30x 0.00016; 1000 Genomes Project 0.00020.

Submission:

Labcorp Genetics (formerly Invitae), Labcorp
Classification: Uncertain significance for Tall stature-scoliosis-macrodactyly of the great toes syndrome; Acromesomelic dysplasia 1, Maroteaux type. Last evaluated: 2022-10-02. Review status: criteria provided, single submitter. Criteria: Invitae Variant Classification Sherloc (09022015). Collection method: clinical testing. Allele origin: germline.
Comment: In summary, the available evidence is currently insufficient to determine the role of this variant in disease. Therefore, it has been classified as a Variant of Uncertain Significance. Algorithms developed to predict the effect of sequence changes on RNA splicing suggest that this variant may create or strengthen a splice site. Advanced modeling of protein sequence and biophysical properties (such as structural, functional, and spatial information, amino acid conservation, physicochemical variation, residue mobility, and thermodynamic stability) performed at Invitae indicates that this missense variant is not expected to disrupt NPR2 protein function. This variant has not been reported in the literature in individuals affected with NPR2-related conditions. This variant is present in population databases (rs544587520, gnomAD 0.003%). This sequence change replaces isoleucine, which is neutral and non-polar, with valine, which is neutral and non-polar, at codon 782 of the NPR2 protein (p.Ile782Val).